The following is an entry in ClinVar:

ClinVar aggregate classification (germline): Uncertain significance. Review status: criteria provided, multiple submitters, no conflicts (2 of 4 stars). 2 submissions from 2 submitters: Uncertain significance (2). Last evaluated 2024-10-18.

Allele frequency attached by ClinVar (database versions not stated): gnomAD 0.00001; gnomAD exomes 0.00001; TOPMed 0.00001.
gnomAD v4.1: 19 of 1,600,428 alleles (0.0012%); highest among the groups gnomAD compares: East Asian, 0.0045%; no homozygotes.

Submissions (2):

Blueprint Genetics
Classification: Uncertain significance. Last evaluated: 2024-10-18. Review status: criteria provided, single submitter. Criteria: ACMG Guidelines, 2015. Collection method: clinical testing. Allele origin: germline.

Labcorp Genetics (formerly Invitae), Labcorp
Classification: Uncertain significance. Last evaluated: 2019-09-18. Review status: criteria provided, single submitter. Criteria: Invitae Variant Classification Sherloc (09022015). Collection method: clinical testing. Allele origin: germline.
Comment: In summary, the available evidence is currently insufficient to determine the role of this variant in disease. Therefore, it has been classified as a Variant of Uncertain Significance. Algorithms developed to predict the effect of missense changes on protein structure and function are either unavailable or do not agree on the potential impact of this missense change (SIFT: "Deleterious"; PolyPhen-2: "Probably Damaging"; Align-GVGD: "Class C0"). This variant has not been reported in the literature in individuals with KCNV2-related conditions. This variant is not present in population databases (ExAC no frequency). This sequence change replaces arginine with histidine at codon 125 of the KCNV2 protein (p.Arg125His). The arginine residue is highly conserved and there is a small physicochemical difference between arginine and histidine.

NM_133497.4(KCNV2):c.374G>A (p.Arg125His)

Gene: KCNV2 (potassium voltage-gated channel modifier subfamily V member 2; plus strand). Cytogenetic location: 9p24.2.
Variant type: single nucleotide variant.
Coding change: c.374G>A on transcript NM_133497.4 (MANE Select); coding-DNA position 374, G replaced by A.
Protein change: p.Arg125His; replaces arginine 125 with histidine.
Molecular consequence: missense variant.
Genome position (GRCh38, 1-based): chr9:2,718,113, G>A. VCF-style: chr9-2718113-G-A. GRCh37 (hg19) VCF-style: chr9-2718113-G-A.
Other names: short protein forms R125H.
Identifiers: ClinVar variation 955107 (VCV000955107.8), dbSNP rs1342075631, ClinGen allele CA372796733.
Genomic context (GRCh38, chr9:2,718,113, plus strand): 5'-GCCACAGCTACCAGCTGGACTACTGCGAGCTGGCCGGCTTCCCCAAGACGCGCCTAGGTC[G>A]CCTGGCCACCTCCACCAGCCGCAGCCGCCAGCTAAGCCTGTGCGACGACTACGAGGAGCA-3'
Protein context (NP_598004.1, residues 115-135): LAGFPKTRLG[Arg125His]LATSTSRSRQ